The following is an entry in ClinVar:

NM_000064.4(C3):c.1003+1G>A

Gene: C3 (complement C3; minus strand). Cytogenetic location: 19p13.3.
Variant type: single nucleotide variant.
Coding change: c.1003+1G>A on transcript NM_000064.4 (MANE Select); the canonical splice donor site of the intron after coding-DNA position 1003, G replaced by A.
Molecular consequence: splice donor variant.
Genome position (GRCh38, 1-based): chr19:6,713,188, C>T on the plus strand (G>A on the coding strand, the complement: C3 is on the minus strand). VCF-style: chr19-6713188-C-T. GRCh37 (hg19) VCF-style: chr19-6713199-C-T.
Identifiers: ClinVar variation 3584178 (VCV003584178.2).

ClinVar aggregate classification (germline): Pathogenic/Likely pathogenic. Review status: criteria provided, multiple submitters, no conflicts (2 of 4 stars). 2 submissions from 2 submitters: Pathogenic (1); Likely pathogenic (1). Last evaluated 2026-09-17.

Conditions:
Age related macular degeneration 9. Identifiers: MedGen C1969651, MONDO:0012659, OMIM 611378.
Atypical hemolytic-uremic syndrome with C3 anomaly. Also called: AHUS, SUSCEPTIBILITY TO, 5. Identifiers: Orphanet 2134, MedGen C2752037, MONDO:0013043, OMIM 612925.
Complement component 3 deficiency. Identifiers: Orphanet 280133, MedGen C3151071, MONDO:0013417, OMIM 613779.

gnomAD v4.1: 5 of 1,613,786 alleles (0.00031%); highest among the groups gnomAD compares: South Asian, 0.0033%; no homozygotes.

Submissions (2):

Genomenon, Inc
Classification: Pathogenic for Complement component 3 deficiency. Last evaluated: 2026-09-17. Review status: criteria provided, single submitter. Criteria: Genomenon Sequence Variant Interpretation Standards - Updated. Collection method: curation. Allele origin: germline. Affected: yes.
Comment: C3 c.1003+1G>A is a canonical splice variant affecting the donor splice site of intron 9. It is predicted to affect mRNA splicing, leading to a deleterious effect on the C3 protein. This variant has been observed in at least one proband affected with C3 deficiency (PMID:33563058). It is absent or not present at a significant frequency in gnomAD. In conclusion, we classify C3 c.1003+1G>A as a pathogenic variant.

Fulgent Genetics
Classification: Likely pathogenic for Age related macular degeneration 9; Atypical hemolytic-uremic syndrome with C3 anomaly; Complement component 3 deficiency. Last evaluated: 2024-04-03. Review status: criteria provided, single submitter. Criteria: ACMG Guidelines, 2015. Collection method: clinical testing. Allele origin: germline.

Literature cited by the submitters: PubMed 33563058 (cited by Genomenon, Inc).